The following is an entry in ClinVar:

ClinVar aggregate classification (germline): Pathogenic (1 of 4 stars; one submission).

Conditions:
Axenfeld-Rieger syndrome type 3 (RIEG3). Also called: AXENFELD-RIEGER ANOMALY WITH CARDIAC DEFECTS AND/OR SENSORINEURAL HEARING LOSS. Identifiers: Orphanet 782, MedGen C2678503, MONDO:0011233, OMIM 602482.

Submission:

Labcorp Genetics (formerly Invitae), Labcorp
Classification: Pathogenic for Axenfeld-Rieger syndrome type 3. Last evaluated: 2025-06-06. Review status: criteria provided, single submitter. Criteria: Invitae Variant Classification Sherloc (09022015). Collection method: clinical testing. Allele origin: germline.
Comment: This sequence change creates a premature translational stop signal (p.Gly455*) in the FOXC1 gene. While this is not anticipated to result in nonsense mediated decay, it is expected to disrupt the last 99 amino acid(s) of the FOXC1 protein. This variant is not present in population databases (gnomAD no frequency). This variant has not been reported in the literature in individuals affected with FOXC1-related conditions. This variant disrupts a region of the FOXC1 protein in which other variant(s) (p.Tyr497*) have been determined to be pathogenic (PMID: 28513611; internal data). This suggests that this is a clinically significant region of the protein, and that variants that disrupt it are likely to be disease-causing. For these reasons, this variant has been classified as Pathogenic.

Literature cited by the submitters: PubMed 28513611.

NM_001453.3(FOXC1):c.1363G>T (p.Gly455Ter)

Gene: FOXC1 (forkhead box C1; plus strand). Cytogenetic location: 6p25.3.
Variant type: single nucleotide variant.
Coding change: c.1363G>T on transcript NM_001453.3 (MANE Select); coding-DNA position 1363, G replaced by T.
Protein change: p.Gly455Ter; replaces glycine 455 with a stop codon.
Molecular consequence: nonsense.
Genome position (GRCh38, 1-based): chr6:1,611,808, G>T. VCF-style: chr6-1611808-G-T. GRCh37 (hg19) VCF-style: chr6-1612043-G-T.
Other names: short protein forms G455*.
Identifiers: ClinVar variation 4720876 (VCV004720876.1).